The following is an entry in ClinVar:

NC_000012.12:g.121626831G>A

Genes: ORAI1 (ORAI calcium release-activated calcium modulator 1; plus strand), LOC130008987 (ATAC-STARR-seq lymphoblastoid silent region 4981; plus strand). Cytogenetic location: 12q24.31.
Variant type: single nucleotide variant.
Genome position: GRCh38 VCF-style: chr12-121626831-G-A. GRCh37 (hg19) VCF-style: chr12-122064736-G-A.
Other names: c.89G>A, p.Ser30Asn (NM_032790.4); short protein forms S30N.
Identifiers: ClinVar variation 1063519 (VCV001063519.7), dbSNP rs1389191128, ClinGen allele CA386980487.

ClinVar aggregate classification (germline): Uncertain significance (1 of 4 stars; one submission).

Conditions:
Combined immunodeficiency due to ORAI1 deficiency. Also called: IMMUNODEFICIENCY 9. Identifiers: Orphanet 169090, Orphanet 317428, MedGen C2748568, MONDO:0013007, OMIM 612782.
Myopathy, tubular aggregate, 2 (TAM2). Identifiers: MedGen C4014557, MONDO:0014383, OMIM 615883.

Allele frequency attached by ClinVar (database versions not stated): TOPMed below 0.00001.

Submission:

Labcorp Genetics (formerly Invitae), Labcorp
Classification: Uncertain significance for Myopathy, tubular aggregate, 2; Combined immunodeficiency due to ORAI1 deficiency. Last evaluated: 2020-04-01. Review status: criteria provided, single submitter. Criteria: Invitae Variant Classification Sherloc (09022015). Collection method: clinical testing. Allele origin: germline.
Comment: This sequence change replaces serine with asparagine at codon 30 of the ORAI1 protein (p.Ser30Asn). The serine residue is weakly conserved and there is a small physicochemical difference between serine and asparagine. In summary, the available evidence is currently insufficient to determine the role of this variant in disease. Therefore, it has been classified as a Variant of Uncertain Significance. Experimental studies and prediction algorithms are not available or were not evaluated, and the functional significance of this variant is currently unknown. This variant has not been reported in the literature in individuals with ORAI1-related conditions. The frequency data for this variant in the population databases is considered unreliable, as metrics indicate insufficient coverage at this position in the ExAC database.